The following is an entry in ClinVar:

NM_000616.5(CD4):c.1157-117C>T

Gene: CD4 (CD4 molecule; plus strand). Cytogenetic location: 12p13.31.
Variant type: single nucleotide variant.
Coding change: c.1157-117C>T on transcript NM_000616.5 (MANE Select); 117 bases into the intron before coding-DNA position 1157, C replaced by T.
Molecular consequence: intron variant.
Genome position (GRCh38, 1-based): chr12:6,818,304, C>T. VCF-style: chr12-6818304-C-T. GRCh37 (hg19) VCF-style: chr12-6927470-C-T.
Other names: c.1157-117C>T (NM_001382707.1); c.338-117C>T (NM_001382706.1, NM_001382705.1, NM_001195015.3 and 2 more transcripts); c.992-117C>T (NM_001382714.1); c.620-117C>T (NM_001195014.3).
Identifiers: ClinVar variation 2688271 (VCV002688271.2), dbSNP rs12226953, ClinGen allele CA13641694.

ClinVar aggregate classification (germline): Benign (1 of 4 stars; one submission).

Allele frequency attached by ClinVar (database versions not stated): TOPMed 0.46060; gnomAD 0.47083; 1000 Genomes Project 30x 0.50609; 1000 Genomes Project 0.51358.
gnomAD v4.1: 692,343 of 1,338,090 alleles (52%); highest among the groups gnomAD compares: East Asian, 76%; 187,199 homozygotes.

Submission:

Unidad de Genómica Garrahan, Hospital de Pediatría Garrahan
Classification: Benign. Last evaluated: 2024-01-24. Review status: criteria provided, single submitter. Criteria: ACMG Guidelines, 2015. Collection method: clinical testing. Allele origin: germline. Affected: no. Observed: 26 variant alleles.
Comment: This variant is classified as Benign based on local population frequency. This variant was detected in 27% of patients studied by a panel of primary immunodeficiencies. Number of patients: 26. Only high quality variants are reported.